The following is an entry in ClinVar:

ClinVar aggregate classification (germline): Likely benign. Review status: criteria provided, multiple submitters, no conflicts (2 of 4 stars). 6 submissions from 6 submitters: Likely benign (4). 2 of the submissions do not count toward it. Last evaluated 2026-01-27.

Conditions:
Proline dehydrogenase deficiency (HYRPRO1). Also called: Hyperprolinemia type 1; PROLINE OXIDASE DEFICIENCY. Identifiers: Orphanet 419, MedGen C0268529, MONDO:0009400, OMIM 239500.

Allele frequency attached by ClinVar (database versions not stated): ESP Exome Variant Server 0.00185; 1000 Genomes Project 0.00220; gnomAD exomes 0.00270; ExAC 0.00317; gnomAD 0.01565 and 0.01647; 1000 Genomes Project 30x 0.02311.

Submissions (6):

Labcorp Genetics (formerly Invitae), Labcorp
Classification: Likely benign for Proline dehydrogenase deficiency. Last evaluated: 2026-01-27. Review status: criteria provided, single submitter. Criteria: Invitae Variant Classification Sherloc (09022015). Collection method: clinical testing. Allele origin: germline.

Blueprint Genetics
Classification: Likely benign. Last evaluated: 2024-11-28. Review status: criteria provided, single submitter. Criteria: ACMG Guidelines, 2015. Collection method: clinical testing. Allele origin: germline.

CeGaT Center for Human Genetics Tuebingen
Classification: Likely benign. Last evaluated: 2023-01-01. Review status: criteria provided, single submitter. Criteria: CeGaT Center For Human Genetics Tuebingen Variant Classification Criteria Version 2. Collection method: clinical testing. Allele origin: germline. Affected: yes. Observed: 2 variant alleles.
Comment: PRODH: BP4, BS2

Breakthrough Genomics
Classification: Likely benign. Review status: criteria provided, single submitter. Criteria: ACMG Guidelines, 2015. Collection method: not provided. Allele origin: germline. Inheritance: Autosomal dominant inheritance. Affected: yes.

Clinical Genetics DNA and cytogenetics Diagnostics Lab, Erasmus MC, Erasmus Medical Center
Classification: Likely benign. Review status: no assertion criteria provided. Collection method: clinical testing. Allele origin: germline. Affected: yes. Study: VKGL Data-share Consensus. Not counted in ClinVar's aggregate classification.

Laboratory of Diagnostic Genome Analysis, Leiden University Medical Center (LUMC)
Classification: Likely benign. Review status: no assertion criteria provided. Collection method: clinical testing. Allele origin: germline. Affected: yes. Study: VKGL Data-share Consensus. Not counted in ClinVar's aggregate classification.

NM_016335.6(PRODH):c.1463A>G (p.Asn488Ser)

Gene: PRODH (proline dehydrogenase 1; minus strand). Cytogenetic location: 22q11.21.
Variant type: single nucleotide variant.
Coding change: c.1463A>G on transcript NM_016335.6 (MANE Select); coding-DNA position 1463, A replaced by G.
Protein change: p.Asn488Ser; replaces asparagine 488 with serine.
Molecular consequence: missense variant.
Genome position (GRCh38, 1-based): chr22:18,916,953, T>C on the plus strand (A>G on the coding strand, the complement: PRODH is on the minus strand). VCF-style: chr22-18916953-T-C. GRCh37 (hg19) VCF-style: chr22-18904466-T-C.
Other names: c.1139A>G, p.Asn380Ser (NM_001195226.2); short protein forms N380S, N488S.
Identifiers: ClinVar variation 702032 (VCV000702032.38), dbSNP rs139903009, ClinGen allele CA10094931.